The following is an entry in ClinVar:

NM_198253.3(TERT):c.2328C>T (p.Phe776=)

Gene: TERT (telomerase reverse transcriptase; minus strand). Cytogenetic location: 5p15.33.
Variant type: single nucleotide variant.
Coding change: c.2328C>T on transcript NM_198253.3 (MANE Select); coding-DNA position 2328, C replaced by T.
Protein change: p.Phe776=; no amino-acid change (phenylalanine 776 retained).
Molecular consequence: synonymous variant.
Genome position (GRCh38, 1-based): chr5:1,272,239, G>A on the plus strand (C>T on the coding strand, the complement: TERT is on the minus strand). VCF-style: chr5-1272239-G-A. GRCh37 (hg19) VCF-style: chr5-1272354-G-A.
Other names: c.2328C>T, p.Phe776= (NM_001193376.3).
Identifiers: ClinVar variation 700927 (VCV000700927.36), dbSNP rs748248614, ClinGen allele CA3184568.

ClinVar aggregate classification (germline): Likely benign. Review status: criteria provided, multiple submitters, no conflicts (2 of 4 stars). 3 submissions from 3 submitters: Likely benign (3). Last evaluated 2025-10-14.

Conditions:
Idiopathic Pulmonary Fibrosis. Also called: Idiopathic fibrosing alveolitis, chronic form; idiopathic fibrosing alveolitis. Identifiers: Orphanet 2032, MedGen C1800706, MeSH D054990, MONDO:0800504.
Dyskeratosis congenita, autosomal dominant 2. Identifiers: MedGen C3151443, MONDO:0013521, OMIM 613989.
Dyskeratosis congenita. Identifiers: Orphanet 1775, MedGen C0265965, MONDO:0015780.

Allele frequency attached by ClinVar (database versions not stated): gnomAD exomes 0.00002 and 0.00006; TOPMed 0.00002; ExAC 0.00003; gnomAD 0.00003 and 0.00004.
gnomAD v4.1: 101 of 1,612,758 alleles (0.0063%); highest among the groups gnomAD compares: Non-Finnish European, 0.0074%; no homozygotes.

Submissions (3):

Labcorp Genetics (formerly Invitae), Labcorp
Classification: Likely benign for Dyskeratosis congenita, autosomal dominant 2; Idiopathic Pulmonary Fibrosis. Last evaluated: 2025-10-14. Review status: criteria provided, single submitter. Criteria: Invitae Variant Classification Sherloc (09022015). Collection method: clinical testing. Allele origin: germline.

CeGaT Center for Human Genetics Tuebingen
Classification: Likely benign. Last evaluated: 2023-10-01. Review status: criteria provided, single submitter. Criteria: CeGaT Center For Human Genetics Tuebingen Variant Classification Criteria Version 2. Collection method: clinical testing. Allele origin: germline. Affected: yes. Observed: 1 variant allele.
Comment: TERT: BP4, BP7

Ambry Genetics
Classification: Likely benign for Dyskeratosis congenita. Last evaluated: 2022-03-16. Review status: criteria provided, single submitter. Criteria: Ambry Variant Classification Scheme 2023. Collection method: clinical testing. Allele origin: germline.